The following is an entry in ClinVar:

NM_006432.5(NPC2):c.133C>T (p.Gln45Ter)

Gene: NPC2 (NPC intracellular cholesterol transporter 2; minus strand). Cytogenetic location: 14q24.3.
Variant type: single nucleotide variant.
Coding change: c.133C>T on transcript NM_006432.5 (MANE Select); coding-DNA position 133, C replaced by T.
Protein change: p.Gln45Ter; replaces glutamine 45 with a stop codon.
Molecular consequence: nonsense.
Genome position (GRCh38, 1-based): chr14:74,486,386, G>A on the plus strand (C>T on the coding strand, the complement: NPC2 is on the minus strand). VCF-style: chr14-74486386-G-A. GRCh37 (hg19) VCF-style: chr14-74953089-G-A.
Other names: c.133C>T, p.Gln45Ter (NM_001363688.1, NM_001375440.1); short protein forms Q45*.
Identifiers: ClinVar variation 21455 (VCV000021455.15), dbSNP rs80358262, ClinGen allele CA342106.

ClinVar aggregate classification (germline): Pathogenic/Likely pathogenic. Review status: criteria provided, multiple submitters, no conflicts (2 of 4 stars). 5 submissions from 5 submitters: Pathogenic (2); Likely pathogenic (1). 2 of the submissions do not count toward it. Last evaluated 2023-04-24.

Conditions:
Niemann-Pick disease, type C (NPC). Identifiers: Orphanet 646, MedGen C0220756, MONDO:0018982.
Niemann-Pick disease, type C2 (NPC2). Identifiers: Orphanet 646, MedGen C1843366, MONDO:0011873, OMIM 607625.

Submissions (5):

Labcorp Genetics (formerly Invitae), Labcorp
Classification: Pathogenic for Niemann-Pick disease, type C2. Last evaluated: 2023-04-24. Review status: criteria provided, single submitter. Criteria: Invitae Variant Classification Sherloc (09022015). Collection method: clinical testing. Allele origin: germline.
Comment: For these reasons, this variant has been classified as Pathogenic. ClinVar contains an entry for this variant (Variation ID: 21455). This premature translational stop signal has been observed in individual(s) with Niemann-Pick type C (PMID: 15937921). This variant is not present in population databases (gnomAD no frequency). This sequence change creates a premature translational stop signal (p.Gln45*) in the NPC2 gene. It is expected to result in an absent or disrupted protein product. Loss-of-function variants in NPC2 are known to be pathogenic (PMID: 25145893).

Women's Health and Genetics/Laboratory Corporation of America, LabCorp
Classification: Pathogenic for Niemann-Pick disease, type C. Last evaluated: 2019-09-23. Review status: criteria provided, single submitter. Criteria: LabCorp Variant Classification Summary - May 2015. Collection method: clinical testing. Allele origin: germline.
Comment: Variant summary: NPC2 c.133C>T (p.Gln45X) results in a premature termination codon, predicted to cause a truncation of the encoded protein or absence of the protein due to nonsense mediated decay, which are commonly known mechanisms for disease. A truncation downstream of this position has been classified as pathogenic by our laboratory. The variant was absent in 236558 control chromosomes (gnomAD). The variant, c.133C>T, has been reported in the literature in two homozygous individuals affected with Niemann-Pick Disease Type C (Vanier_2004, Chikh_2005, Boenzi_2014). These data indicate that the variant is likely to be associated with disease. To our knowledge, no experimental evidence demonstrating an impact on protein function has been reported. One clinical diagnostic laboratory has submitted clinical-significance assessments for this variant to ClinVar after 2014 without evidence for independent evaluation and classified the variant as pathogenic. Based on the evidence outlined above, the variant was classified as pathogenic.

Illumina Laboratory Services, Illumina
Classification: Likely pathogenic for Niemann-Pick disease, type C2. Last evaluated: 2018-08-17. Review status: criteria provided, single submitter. Criteria: ICSL Variant Classification Criteria 09 May 2019. Collection method: clinical testing. Allele origin: germline.
Comment: The NPC2 c.133C>T (p.Gln45Ter) variant is a stop-gained variant predicted to result in premature termination of the protein. The p.Gln45Ter variant has been reported in at least two studies in which it is found in a homozygous state in a total of two patients with Niemann-Pick Disease type C (NPC) (Chikh et al. 2005; Boenzi et al. 2014). Control data is unavailable for the p.Gln45Ter variant, which is not found in the 1000 Genomes Project, the Exome Sequencing Project, Exome Aggregation Consortium or the Genome Aggregation Database, in a region of good sequence coverage, and hence is presumed to be rare. Functional studies using patient-derived fibroblasts isolated from two patients demonstrated that the p.Gln45Ter variant affected intracellular cholesterol processing to the degree previously associated with classic NPC (Chikh et al. 2005; Boenzi et al. 2014). Additionally, LC-MS/MS testing of the p.Gln45Ter patient-derived plasma oxysterols revealed pathogenic levels of C-triol and 7-KC compared to normal controls (Boenzi et al. 2014). Based on the collective evidence, the p.Gln45Ter variant is classified as likely pathogenic for Niemann-Pick Disease type C. This variant was observed by ICSL as part of a predisposition screen in an ostensibly healthy population.

Natera, Inc.
Classification: Pathogenic for Niemann-Pick disease type C2. Last evaluated: 2020-02-03. Review status: no assertion criteria provided. Collection method: clinical testing. Allele origin: germline. Not counted in ClinVar's aggregate classification.

GeneReviews
No classification provided. Condition: Niemann-Pick disease, type C2. Review status: no classification provided. Collection method: literature only. Allele origin: unknown. Not counted in ClinVar's aggregate classification.

Literature cited by the submitters: PubMed 15937921 (cited by 3 submitters); PubMed 25145893 (cited by Labcorp Genetics (formerly Invitae), Labcorp); PubMed 17470133 (cited by Women's Health and Genetics/Laboratory Corporation of America, LabCorp); PubMed 19252935 (cited by Women's Health and Genetics/Laboratory Corporation of America, LabCorp); PubMed 25038260 (cited by Women's Health and Genetics/Laboratory Corporation of America, LabCorp and Illumina Laboratory Services, Illumina); PubMed 28095804 (cited by Women's Health and Genetics/Laboratory Corporation of America, LabCorp); PubMed 15465422 (cited by Women's Health and Genetics/Laboratory Corporation of America, LabCorp); PubMed 20301473 (cited by GeneReviews); NCBI Bookshelf NBK1296 (cited by GeneReviews).